The following is an entry in ClinVar:

ClinVar aggregate classification (germline): Uncertain significance (1 of 4 stars; one submission).

Conditions:
Vici syndrome (VICIS). Identifiers: Orphanet 1493, MedGen C1855772, MONDO:0009452, OMIM 242840.

Allele frequency attached by ClinVar (database versions not stated): gnomAD exomes below 0.00001.
gnomAD v4.1: 2 of 1,604,736 alleles (0.00012%); highest among the groups gnomAD compares: Non-Finnish European, 0.00017%; no homozygotes.

Submission:

Labcorp Genetics (formerly Invitae), Labcorp
Classification: Uncertain significance for Vici syndrome. Last evaluated: 2022-04-22. Review status: criteria provided, single submitter. Criteria: Invitae Variant Classification Sherloc (09022015). Collection method: clinical testing. Allele origin: germline.
Comment: This sequence change falls in intron 19 of the EPG5 gene. It does not directly change the encoded amino acid sequence of the EPG5 protein. It affects a nucleotide within the consensus splice site. This variant is present in population databases (no rsID available, gnomAD 0.0009%). This variant has not been reported in the literature in individuals affected with EPG5-related conditions. ClinVar contains an entry for this variant (Variation ID: 659993). Variants that disrupt the consensus splice site are a relatively common cause of aberrant splicing (PMID: 17576681, 9536098). Algorithms developed to predict the effect of sequence changes on RNA splicing suggest that this variant is not likely to affect RNA splicing. In summary, the available evidence is currently insufficient to determine the role of this variant in disease. Therefore, it has been classified as a Variant of Uncertain Significance.

Literature cited by the submitters: PubMed 17576681; PubMed 9536098.

NM_020964.3(EPG5):c.3582+3A>G

Gene: EPG5 (ectopic P-granules 5 autophagy tethering factor; minus strand). Cytogenetic location: 18q21.1.
Variant type: single nucleotide variant.
Coding change: c.3582+3A>G on transcript NM_020964.3 (MANE Select); 3 bases into the intron after coding-DNA position 3582, A replaced by G.
Molecular consequence: intron variant.
Genome position (GRCh38, 1-based): chr18:45,916,006, T>C on the plus strand (A>G on the coding strand, the complement: EPG5 is on the minus strand). VCF-style: chr18-45916006-T-C. GRCh37 (hg19) VCF-style: chr18-43495971-T-C.
Other names: c.3582+3A>G (LRG_1234t1).
Identifiers: ClinVar variation 659993 (VCV000659993.5), dbSNP rs1210376180, ClinGen allele CA629923901.
Genomic context (GRCh38, chr18:45,916,006, plus strand): 5'-TTTTTAGAAAGCTACTTTATCTAGCCAATCACTGAAAGATAAATTCTCTAACAGGTTAAT[T>C]ACCTTATGTTGTTGGTAGAGTAATTTCTGTATGCAGTCTTCCTGCATCAGCTGAAAAGCT-3'